The following is an entry in ClinVar:

NM_006005.3(WFS1):c.889A>G (p.Met297Val)

Gene: WFS1 (wolframin ER transmembrane glycoprotein; plus strand). Cytogenetic location: 4p16.1.
Variant type: single nucleotide variant.
Coding change: c.889A>G on transcript NM_006005.3 (MANE Select); coding-DNA position 889, A replaced by G.
Protein change: p.Met297Val; replaces methionine 297 with valine.
Molecular consequence: missense variant.
Genome position (GRCh38, 1-based): chr4:6,300,684, A>G. VCF-style: chr4-6300684-A-G. GRCh37 (hg19) VCF-style: chr4-6302411-A-G.
Other names: c.889A>G, p.Met297Val (NM_001145853.1); short protein forms M297V.
Identifiers: ClinVar variation 506178 (VCV000506178.12), dbSNP rs1553878254, ClinGen allele CA356173821.
Genomic context (GRCh38, chr4:6,300,684, plus strand): 5'-CAGCCTCGTTCCCACGTACCATCTTTCCCCCAGGTGGTCAAGTACCCCCTGCACGCCATC[A>G]TGGAGATCAAGGAGTACCTGATTGACATGGCCTCCAGGGCAGGCATGCACTGGCTGTCCA-3'
Protein context (NP_005996.2, residues 287-307): KVVKYPLHAI[Met297Val]EIKEYLIDMA

ClinVar aggregate classification (germline): Uncertain significance. Review status: criteria provided, multiple submitters, no conflicts (2 of 4 stars). 5 submissions from 5 submitters: Uncertain significance (5). Last evaluated 2026-01-06.

Conditions:
Autosomal dominant nonsyndromic hearing loss 6 (LFSNHL). Also called: Autosomal dominant nonsyndromic deafness 6; DEAFNESS, AUTOSOMAL DOMINANT 6; DEAFNESS, AUTOSOMAL DOMINANT 14; DEAFNESS, AUTOSOMAL DOMINANT 38. Identifiers: Orphanet 90635, MedGen C1833021, MONDO:0010963, OMIM 600965.
Type 2 diabetes mellitus. Also called: Type II diabetes mellitus. Identifiers: MedGen C0011860, MeSH D003924, MONDO:0005148, OMIM 125853, HP:0005978.
Wolfram-like syndrome. Also called: HEARING LOSS, PROGRESSIVE, WITH OPTIC ATROPHY AND/OR IMPAIRED GLUCOSE REGULATION. Identifiers: Orphanet 411590, MedGen C3280358, MONDO:0013673, OMIM 614296.
Cataract 41 (CTRCT41). Also called: CATARACT 41, CONGENITAL NUCLEAR TYPE. Identifiers: Orphanet 91492, Orphanet 98991, Orphanet 98992, Orphanet 98995, MedGen C3805412, MONDO:0007287, OMIM 116400.
Wolfram syndrome 1 (WFS1). Identifiers: Orphanet 3463, MedGen C4551693, MONDO:0009101, OMIM 222300.

Allele frequency attached by ClinVar (database versions not stated): gnomAD exomes below 0.00001; TOPMed below 0.00001.
gnomAD v4.1: 1 of 1,613,982 alleles (0.000062%); highest among the groups gnomAD compares: Non-Finnish European, 0.000085%; no homozygotes.

Submissions (5):

Labcorp Genetics (formerly Invitae), Labcorp
Classification: Uncertain significance. Last evaluated: 2026-01-06. Review status: criteria provided, single submitter. Criteria: Invitae Variant Classification Sherloc (09022015). Collection method: clinical testing. Allele origin: germline.
Comment: This sequence change replaces methionine, which is neutral and non-polar, with valine, which is neutral and non-polar, at codon 297 of the WFS1 protein (p.Met297Val). This variant is not present in population databases (gnomAD no frequency). This variant has not been reported in the literature in individuals affected with WFS1-related conditions. ClinVar contains an entry for this variant (Variation ID: 506178). Invitae Evidence Modeling of protein sequence and biophysical properties (such as structural, functional, and spatial information, amino acid conservation, physicochemical variation, residue mobility, and thermodynamic stability) indicates that this missense variant is not expected to disrupt WFS1 protein function with a negative predictive value of 95%. In summary, the available evidence is currently insufficient to determine the role of this variant in disease. Therefore, it has been classified as a Variant of Uncertain Significance.

GeneDx
Classification: Uncertain significance. Last evaluated: 2024-05-01. Review status: criteria provided, single submitter. Criteria: GeneDx Variant Classification Process June 2021. Collection method: clinical testing. Allele origin: germline. Affected: yes.
Comment: Not observed at significant frequency in large population cohorts (gnomAD); In silico analysis indicates that this missense variant does not alter protein structure/function; Has not been previously published as pathogenic or benign to our knowledge

Fulgent Genetics
Classification: Uncertain significance for Cataract 41; Type 2 diabetes mellitus; Wolfram syndrome 1; Autosomal dominant nonsyndromic hearing loss 6; Wolfram-like syndrome. Last evaluated: 2024-03-22. Review status: criteria provided, single submitter. Criteria: ACMG Guidelines, 2015. Collection method: clinical testing. Allele origin: germline.

Laboratory for Molecular Medicine, Mass General Brigham Personalized Medicine
Classification: Uncertain significance. Last evaluated: 2017-10-24. Review status: criteria provided, single submitter. Criteria: LMM Criteria. Collection method: clinical testing. Allele origin: germline. Observed: 1 variant allele.
Comment: The p.Met297Val variant in WFS1 has not been previously reported in individuals with hearing loss or WFS1-related disorders, or in large population studies. Com putational prediction tools and conservation analysis suggest that the p.Met297V al variant may not impact the protein, though this information is not predictive enough to rule out pathogenicity. In summary, the clinical significance of the p.Met297Val variant is uncertain. ACMG/AMP Criteria applied: PM2, BP4 (Richards 2015).

Clinical Genomics, Uppaluri K&H Personalized Medicine Clinic
Classification: Uncertain significance for Wolfram syndrome 1. Review status: criteria provided, single submitter. Criteria: K & H Uppaluri Personalized Medicine Clinic Variant Classification & Assertion Criteria_Updated V.1. Collection method: research. Allele origin: unknown. Inheritance: Autosomal recessive inheritance.
Comment: Potent mutations in WFS1 gene are associated with Wolfram's syndrome, an autosomal recessive condition, which cause diabetes mellitus, diabetes insipidus, deafness and optic atrophy. However no sufficient evidence is found to ascertain the role of this particular variant rs1553878254 in Wolfram's syndrome yet.

Literature cited by the submitters: PubMed 20738327 (cited by Clinical Genomics, Uppaluri K&H Personalized Medicine Clinic); PubMed 33879153 (cited by Clinical Genomics, Uppaluri K&H Personalized Medicine Clinic); PubMed 12955714 (cited by Clinical Genomics, Uppaluri K&H Personalized Medicine Clinic); PubMed 18060660 (cited by Clinical Genomics, Uppaluri K&H Personalized Medicine Clinic); PubMed 20301750 (cited by Clinical Genomics, Uppaluri K&H Personalized Medicine Clinic); PubMed 17603484 (cited by Clinical Genomics, Uppaluri K&H Personalized Medicine Clinic).